The following is an entry in ClinVar:

ClinVar aggregate classification (germline): Likely benign (1 of 4 stars; one submission).

Submission:

GeneDx
Classification: Likely benign. Last evaluated: 2016-11-11. Review status: criteria provided, single submitter. Criteria: GeneDx Variant Classification (06012015). Collection method: clinical testing. Allele origin: germline. Affected: yes.
Comment: This variant is considered likely benign or benign based on one or more of the following criteria: it is a conservative change, it occurs at a poorly conserved position in the protein, it is predicted to be benign by multiple in silico algorithms, and/or has population frequency not consistent with disease.

NM_007194.4(CHEK2):c.-7+17dup

Genes: CHEK2 (checkpoint kinase 2; minus strand), LOC130067165 (ATAC-STARR-seq lymphoblastoid active region 18804; plus strand). Cytogenetic location: 22q12.1.
Variant type: Duplication.
Coding change: c.-7+17dup on transcript NM_007194.4 (MANE Select); 17 bases into the intron after 7 bases upstream of the start codon, one base duplicated (A; older notation c.-7+17dupA).
Molecular consequence: intron variant.
Genome position (GRCh38, 1-based): chr22:28,741,752, T duplicated on the plus strand (A on the coding strand, the reverse complement: CHEK2 is on the minus strand); the first of 2 consecutive T bases (chr22:28,741,752-28,741,753); duplicating either gives the same sequence. VCF-style (leftmost placement, unchanged base first): chr22-28741751-G-GT. GRCh37 (hg19) VCF-style: chr22-29137739-G-GT.
Other names: c.-345+17dup (NM_001437942.1); c.-7+17dup (NM_001349956.3, NM_145862.3, NM_001438295.1 and 3 more transcripts); c.-784+17dup (NM_001257387.3); c.-7+17dupA (NM_007194.3).
Identifiers: ClinVar variation 422731 (VCV000422731.1), dbSNP rs1064795961, ClinGen allele CA16621088.